The following is an entry in ClinVar:

NM_152393.4(KLHL40):c.1152+4C>T

Gene: KLHL40 (kelch like family member 40; plus strand). Cytogenetic location: 3p22.1.
Variant type: single nucleotide variant.
Coding change: c.1152+4C>T on transcript NM_152393.4 (MANE Select); 4 bases into the intron after coding-DNA position 1152, C replaced by T.
Molecular consequence: intron variant.
Genome position (GRCh38, 1-based): chr3:42,686,774, C>T. VCF-style: chr3-42686774-C-T. GRCh37 (hg19) VCF-style: chr3-42728266-C-T.
Identifiers: ClinVar variation 1389906 (VCV001389906.6), dbSNP rs1553680497, ClinGen allele CA2336814.

ClinVar aggregate classification (germline): Uncertain significance (1 of 4 stars; one submission).

Conditions:
Nemaline myopathy 8 (NEM8). Also called: Nemaline myopathy 8, autosomal recessive. Identifiers: Orphanet 171430, MedGen C3809209, MONDO:0014138, OMIM 615348.

Allele frequency attached by ClinVar (database versions not stated): gnomAD exomes below 0.00001 and 0.00001; TOPMed below 0.00001; ExAC 0.00003.
gnomAD v4.1: 4 of 1,600,440 alleles (0.00025%); highest among the groups gnomAD compares: Admixed American, 0.0034%; no homozygotes.

Submission:

Labcorp Genetics (formerly Invitae), Labcorp
Classification: Uncertain significance for Nemaline myopathy 8. Last evaluated: 2021-03-23. Review status: criteria provided, single submitter. Criteria: Invitae Variant Classification Sherloc (09022015). Collection method: clinical testing. Allele origin: germline.
Comment: In summary, the available evidence is currently insufficient to determine the role of this variant in disease. Therefore, it has been classified as a Variant of Uncertain Significance. Nucleotide substitutions within the consensus splice site are a relatively common cause of aberrant splicing (PMID: 17576681, 9536098). Algorithms developed to predict the effect of sequence changes on RNA splicing suggest that this variant may disrupt the consensus splice site, but this prediction has not been confirmed by published transcriptional studies. This variant has not been reported in the literature in individuals with KLHL40-related conditions. This variant is present in population databases (no rsID available, ExAC 0.02%). This sequence change falls in intron 1 of the KLHL40 gene. It does not directly change the encoded amino acid sequence of the KLHL40 protein. It affects a nucleotide within the consensus splice site of the intron.

Literature cited by the submitters: PubMed 17576681; PubMed 9536098.